The following is an entry in ClinVar:

NM_022114.4(PRDM16):c.171C>T (p.Ser57=)

Gene: PRDM16 (PR/SET domain 16; plus strand). Cytogenetic location: 1p36.32.
Variant type: single nucleotide variant.
Coding change: c.171C>T on transcript NM_022114.4 (MANE Select); coding-DNA position 171, C replaced by T.
Protein change: p.Ser57=; no amino-acid change (serine 57 retained).
Molecular consequence: synonymous variant.
Genome position (GRCh38, 1-based): chr1:3,186,258, C>T. VCF-style: chr1-3186258-C-T. GRCh37 (hg19) VCF-style: chr1-3102822-C-T.
Other names: c.171C>T, p.Ser57= (NM_199454.3).
Identifiers: ClinVar variation 510574 (VCV000510574.14), dbSNP rs369648897, ClinGen allele CA543720.
Genomic context (GRCh38, chr1:3,186,258, plus strand): 5'-GGCCGAGGACAGTGCCATGTCGCCCATCCCCGTGGGGCCACCGTCCCCCTTCCCCACCAG[C>T]GAGGACTTCACCCCCAAGGAGGGCTCGCCGTACGAGGCCCCTGTCTACATTCCTGAAGAC-3'
Protein context (NP_071397.3, residues 47-67): PVGPPSPFPT[Ser57=]EDFTPKEGSP

ClinVar aggregate classification (germline): Benign/Likely benign. Review status: criteria provided, multiple submitters, no conflicts (2 of 4 stars). 4 submissions from 4 submitters: Benign (1); Likely benign (2). 1 of the submissions does not count toward it. Last evaluated 2026-05-25.

Conditions:
Left ventricular noncompaction 8 (LVNC8). Identifiers: Orphanet 154, Orphanet 54260, MedGen C3809288, MONDO:0014152, OMIM 615373.

Allele frequency attached by ClinVar (database versions not stated): gnomAD exomes 0.00004 and 0.00008; ESP Exome Variant Server 0.00008; gnomAD 0.00007 and 0.00004; ExAC 0.00010; TOPMed 0.00011; 1000 Genomes Project 30x 0.00031.
gnomAD v4.1: 72 of 1,612,122 alleles (0.0045%); highest among the groups gnomAD compares: South Asian, 0.033%; no homozygotes.

Submissions (4):

Women's Health and Genetics/Laboratory Corporation of America, LabCorp
Classification: Benign. Last evaluated: 2026-05-25. Review status: criteria provided, single submitter. Criteria: LabCorp Variant Classification Summary - May 2015. Collection method: clinical testing. Allele origin: germline.

Labcorp Genetics (formerly Invitae), Labcorp
Classification: Likely benign for Left ventricular noncompaction 8. Last evaluated: 2026-02-02. Review status: criteria provided, single submitter. Criteria: Invitae Variant Classification Sherloc (09022015). Collection method: clinical testing. Allele origin: germline.

GeneDx
Classification: Likely benign. Last evaluated: 2017-06-29. Review status: criteria provided, single submitter. Criteria: GeneDx Variant Classification (06012015). Collection method: clinical testing. Allele origin: germline. Affected: yes.
Comment: This variant is considered likely benign or benign based on one or more of the following criteria: it is a conservative change, it occurs at a poorly conserved position in the protein, it is predicted to be benign by multiple in silico algorithms, and/or has population frequency not consistent with disease.

Department of Pathology and Laboratory Medicine, Sinai Health System
Classification: Uncertain significance. Review status: no assertion criteria provided. Collection method: clinical testing. Allele origin: unknown. Affected: yes. Study: The Canadian Open Genetics Repository (COGR). Not counted in ClinVar's aggregate classification.
Comment: The PRDM16 p.Ser57Ser variant was not identified in the literature nor was it identified in Cosmic. The variant was identified in dbSNP (ID: rs369648897), LOVD 3.0 and in ClinVar (classified as likely benign by GeneDx). The variant was identified in control databases in 23 of 277590 chromosomes at a frequency of 0.000083 (Genome Aggregation Database Feb 27, 2017). The variant was observed in the following populations: East Asian in 11 of 19484 chromosomes (freq: 0.000565), South Asian in 6 of 30492 chromosomes (freq: 0.000197), Other in 1 of 7084 chromosomes (freq: 0.000141), African in 2 of 24008 chromosomes (freq: 0.000083) and European (non-Finnish) in 3 of 126116 chromosomes (freq: 0.000024); it was not observed in the Latino, Ashkenazi Jewish, and European (Finnish) populations. The p.Ser57Ser variant is not expected to have clinical significance because it does not result in a change of amino acid and is not located in a known consensus splice site. The variant occurs outside of the splicing consensus sequence however 3 of 4 in silico or computational prediction software programs (MaxEntScan, NNSPLICE, GeneSplicer) predict a greater than 10% difference in splicing and the creation of a new 5' splice site. However, this information is not predictive enough to assume pathogenicity. In summary, based on the above information the clinical significance of this variant cannot be determined with certainty at this time. This variant is classified as a variant of uncertain significance.